The following is an entry in ClinVar:

NM_001127649.3(PEX26):c.895dup (p.Tyr299fs)

Gene: PEX26 (peroxisomal biogenesis factor 26; plus strand). Cytogenetic location: 22q11.21.
Variant type: Duplication.
Coding change: c.895dup on transcript NM_001127649.3 (MANE Select); coding-DNA position 895, one base duplicated (T; older notation c.895dupT).
Protein change: p.Tyr299fs; shifts the reading frame from tyrosine 299.
Molecular consequence: frameshift variant.
Genome position (GRCh38, 1-based): chr22:18,088,052, T duplicated. VCF-style (leftmost placement, unchanged base first): chr22-18088051-C-CT. GRCh37 (hg19) VCF-style: chr22-18570817-C-CT.
Other names: c.748dup, p.Tyr250fs (NM_001199319.2); c.895dup, p.Tyr299fs (NM_017929.6); c.895dupT (NM_017929.5); short protein forms Y299fs, Y250fs.
Identifiers: ClinVar variation 283588 (VCV000283588.22), dbSNP rs759821636, ClinGen allele CA10093444.

ClinVar aggregate classification (germline): Conflicting classifications of pathogenicity. Review status: criteria provided, conflicting classifications (1 of 4 stars). 7 submissions from 7 submitters: Uncertain significance (6); Likely benign (1). Last evaluated 2026-07-24.

Conditions:
Peroxisome biogenesis disorder 7B (PBD7B). Identifiers: Orphanet 44, MedGen C3553951, MONDO:0013939, OMIM 614873.
Peroxisome biogenesis disorder 7A (Zellweger). Also called: Peroxisome biogenesis disorder 7A. Identifiers: Orphanet 912, MedGen C3888385, MONDO:0013938, OMIM 614872.
PEX26-related disorder. Also called: PEX26-related condition.
Peroxisome biogenesis disorder. Identifiers: Orphanet 79189, MedGen C1832200, MONDO:0019234. Disease mechanism: loss of function.

Allele frequency attached by ClinVar (database versions not stated): gnomAD exomes 0.00003 and 0.00013; ExAC 0.00016; gnomAD 0.00034 and 0.00036; TOPMed 0.00043; ESP Exome Variant Server 0.00048.

Submissions (7):

PreventionGenetics, part of Exact Sciences
Classification: Uncertain significance for PEX26-related condition. Last evaluated: 2026-07-24. Review status: criteria provided, single submitter. Criteria: ACMG Guidelines, 2015. Collection method: clinical testing. Allele origin: germline.
Comment: The PEX26 c.895dupT variant is predicted to result in a frameshift and premature protein termination (p.Tyr299Leufs*7). This variant is located in the last exon and is predicted to disrupt the last seven amino acids, and is not predicted to undergo nonsense mediated decay. To our knowledge, this variant has not been reported in the literature and no other premature protein truncating variants have been reported downstream of this variant. This variant is reported in 0.14% of alleles in individuals of African descent in gnomAD. At this time, the clinical significance of this variant is uncertain due to the absence of conclusive functional and genetic evidence.

Dasa
Classification: Uncertain significance. Last evaluated: 2026-02-10. Review status: criteria provided, single submitter. Criteria: DASA Assertion Criteria. Collection method: clinical testing. Allele origin: germline.
Comment: NM_001127649.3(PEX26):c.895dup (p.Tyr299Leufs*7) is a frameshift variant in PEX26 predicted to alter the reading frame and introduce a premature termination codon. This variant is rare in population databases. The currently available literature and clinical evidence are not sufficient to establish a definitive association between this variant and the reported condition. Therefore, this variant is classified as a variant of uncertain significance.

Labcorp Genetics (formerly Invitae), Labcorp
Classification: Uncertain significance for Peroxisome biogenesis disorder 7A (Zellweger); Peroxisome biogenesis disorder 7B. Last evaluated: 2025-01-15. Review status: criteria provided, single submitter. Criteria: Invitae Variant Classification Sherloc (09022015). Collection method: clinical testing. Allele origin: germline.
Comment: This sequence change creates a premature translational stop signal (p.Tyr299Leufs*7) in the PEX26 gene. While this is not anticipated to result in nonsense mediated decay, it is expected to disrupt the last 7 amino acid(s) of the PEX26 protein. This variant is present in population databases (rs759821636, gnomAD 0.1%). This variant has not been reported in the literature in individuals affected with PEX26-related conditions. ClinVar contains an entry for this variant (Variation ID: 283588). In summary, the available evidence is currently insufficient to determine the role of this variant in disease. Therefore, it has been classified as a Variant of Uncertain Significance.

Blueprint Genetics
Classification: Likely benign. Last evaluated: 2024-11-01. Review status: criteria provided, single submitter. Criteria: ACMG Guidelines, 2015. Collection method: clinical testing. Allele origin: germline.

Department of Pathology and Laboratory Medicine, Sinai Health System
Classification: Uncertain significance for peroxisome biogenesis disorder. Last evaluated: 2022-08-18. Review status: criteria provided, single submitter. Criteria: ACMG Guidelines, 2015. Collection method: research. Allele origin: germline.

Mayo Clinic Laboratories, Mayo Clinic
Classification: Uncertain significance. Last evaluated: 2021-02-04. Review status: criteria provided, single submitter. Criteria: ACMG Guidelines, 2015. Collection method: clinical testing. Allele origin: germline.

Eurofins Ntd Llc (ga)
Classification: Uncertain significance. Last evaluated: 2015-10-12. Review status: criteria provided, single submitter. Criteria: EGL Classification Definitions. Collection method: clinical testing. Allele origin: germline. Observed: 1 variant allele, 1 heterozygote.